The following is an entry in ClinVar:

NM_000093.5(COL5A1):c.278C>G (p.Ala93Gly)

Gene: COL5A1 (collagen type V alpha 1 chain; plus strand). Cytogenetic location: 9q34.3.
Variant type: single nucleotide variant.
Coding change: c.278C>G on transcript NM_000093.5 (MANE Select); coding-DNA position 278, C replaced by G.
Protein change: p.Ala93Gly; replaces alanine 93 with glycine.
Molecular consequence: missense variant.
Genome position (GRCh38, 1-based): chr9:134,699,909, C>G. VCF-style: chr9-134699909-C-G. GRCh37 (hg19) VCF-style: chr9-137591755-C-G.
Other names: c.278C>G, p.Ala93Gly (NM_001278074.1); c.278C>G (NM_000093.3); short protein forms A93G.
Identifiers: ClinVar variation 657768 (VCV000657768.13), dbSNP rs41306397, ClinGen allele CA5318274.
Genomic context (GRCh38, chr9:134,699,909, plus strand): 5'-TGGCTGGGTGTGGTTGCAGGGGCTCCCCGACTGCCTTCTCACCTCTGTGCTCTGTTCCAG[C>G]GTCTGCATTTCCCGAGGACTTCTCCATCCTAACAACTGTGAAAGCCAAGAAAGGCAGCCA-3'
Protein context (NP_000084.3, residues 83-103): LSAPTKQLYP[Ala93Gly]SAFPEDFSIL

ClinVar aggregate classification (germline): Conflicting classifications of pathogenicity. Review status: criteria provided, conflicting classifications (1 of 4 stars). 3 submissions from 3 submitters: Uncertain significance (2); Likely benign (1). Last evaluated 2026-01-11.

Conditions:
Ehlers-Danlos syndrome, classic type, 1 (EDSCL1). Also called: Ehlers-Danlos Syndrome, Classic Type, COL5A1-Related; EHLERS-DANLOS SYNDROME, GRAVIS TYPE; EHLERS-DANLOS SYNDROME, SEVERE CLASSIC TYPE; Ehlers-Danlos syndrome, type 1; EDS I. Identifiers: MedGen C0268335, MONDO:0019567, OMIM 130000.
Familial thoracic aortic aneurysm and aortic dissection (TAAD). Also called: Thoracic aortic aneurysms and dissections. Identifiers: Orphanet 91387, MedGen C4707243, MONDO:0019625.

Allele frequency attached by ClinVar (database versions not stated): TOPMed 0.00005.
gnomAD v4.1: 15 of 1,613,784 alleles (0.00093%); highest among the groups gnomAD compares: African/African-American, 0.013%; no homozygotes.

Submissions (3):

Labcorp Genetics (formerly Invitae), Labcorp
Classification: Uncertain significance for Ehlers-Danlos syndrome, classic type, 1. Last evaluated: 2026-01-11. Review status: criteria provided, single submitter. Criteria: Invitae Variant Classification Sherloc (09022015). Collection method: clinical testing. Allele origin: germline.
Comment: This sequence change replaces alanine, which is neutral and non-polar, with glycine, which is neutral and non-polar, at codon 93 of the COL5A1 protein (p.Ala93Gly). The frequency data for this variant in the population databases is considered unreliable, as metrics indicate poor data quality at this position in the gnomAD database. This variant has not been reported in the literature in individuals affected with COL5A1-related conditions. ClinVar contains an entry for this variant (Variation ID: 657768). An algorithm developed to predict the effect of missense changes on protein structure and function (PolyPhen-2) suggests that this variant is likely to be tolerated. In summary, the available evidence is currently insufficient to determine the role of this variant in disease. Therefore, it has been classified as a Variant of Uncertain Significance.

GeneDx
Classification: Uncertain significance. Last evaluated: 2025-10-30. Review status: criteria provided, single submitter. Criteria: GeneDx Variant Classification Process June 2021. Collection method: clinical testing. Allele origin: germline.
Comment: In silico analysis suggests that this missense variant does not alter protein structure/function; Has not been previously published as pathogenic or benign to our knowledge; Not located in the triple helical region, where the majority of pathogenic missense variants occur (PMID: 22696272; HGMD); This variant is associated with the following publications: (PMID: 22696272)

Ambry Genetics
Classification: Likely benign for Familial thoracic aortic aneurysm and aortic dissection. Last evaluated: 2025-06-24. Review status: criteria provided, single submitter. Criteria: Ambry Variant Classification Scheme 2023. Collection method: clinical testing. Allele origin: germline.